The following is an entry in ClinVar:

NM_001048174.2(MUTYH):c.1192C>A (p.Arg398Ser)

Gene: MUTYH (mutY DNA glycosylase; minus strand). Cytogenetic location: 1p34.1.
Variant type: single nucleotide variant.
Coding change: c.1192C>A on transcript NM_001048174.2 (MANE Select); coding-DNA position 1192, C replaced by A.
Protein change: p.Arg398Ser; replaces arginine 398 with serine.
Molecular consequence: missense variant. On other transcripts: non-coding transcript variant (2).
Genome position (GRCh38, 1-based): chr1:45,331,467, G>T on the plus strand (C>A on the coding strand, the complement: MUTYH is on the minus strand). VCF-style: chr1-45331467-G-T. GRCh37 (hg19) VCF-style: chr1-45797139-G-T.
Other names: c.1192C>A, p.Arg398Ser (NM_001048171.2, NM_001048173.2, NM_001293195.2); c.1195C>A, p.Arg399Ser (NM_001048172.2); c.1276C>A, p.Arg426Ser (NM_001128425.2); c.1237C>A, p.Arg413Ser (NM_001293190.2); c.1225C>A, p.Arg409Ser (NM_001293191.2); c.916C>A, p.Arg306Ser (NM_001293192.2, NM_001293196.2); c.847C>A, p.Arg283Ser (NM_001350650.2, NM_001350651.2); c.1267C>A, p.Arg423Ser (NM_012222.3); short protein forms R306S, R398S, R283S, R423S, R426S, R399S, R409S, R413S.
Identifiers: ClinVar variation 940303 (VCV000940303.9), dbSNP rs150792276, ClinGen allele CA340132909.

ClinVar aggregate classification (germline): Uncertain significance (1 of 4 stars; one submission).

Conditions:
Familial adenomatous polyposis 2. Also called: Adenomas, multiple colorectal; MUTYH Polyposis; COLORECTAL ADENOMATOUS POLYPOSIS, AUTOSOMAL RECESSIVE; ADENOMAS, MULTIPLE COLORECTAL, AUTOSOMAL RECESSIVE; MUTYH-associated polyposis; MUTYH-related attenuated familial adenomatous polyposis. Identifiers: Orphanet 220460, Orphanet 247798, MedGen C3272841, MONDO:0012041, OMIM 608456.

Submission:

Labcorp Genetics (formerly Invitae), Labcorp
Classification: Uncertain significance for Familial adenomatous polyposis 2. Last evaluated: 2019-05-29. Review status: criteria provided, single submitter. Criteria: Invitae Variant Classification Sherloc (09022015). Collection method: clinical testing. Allele origin: germline.
Comment: This sequence change replaces arginine with serine at codon 426 of the MUTYH protein (p.Arg426Ser). The arginine residue is weakly conserved and there is a moderate physicochemical difference between arginine and serine. This variant is not present in population databases (ExAC no frequency). This variant has been reported in individuals in the Universal Mutation Database (PMID: 10612827). Algorithms developed to predict the effect of missense changes on protein structure and function output the following: SIFT: "Tolerated"; PolyPhen-2: "Benign"; Align-GVGD: "Class C0". The serine amino acid residue is found in multiple mammalian species, suggesting that this missense change does not adversely affect protein function. These predictions have not been confirmed by published functional studies and their clinical significance is uncertain. In summary, the available evidence is currently insufficient to determine the role of this variant in disease. Therefore, it has been classified as a Variant of Uncertain Significance.

Literature cited by the submitters: PubMed 10612827.